The following is an entry in ClinVar:

ClinVar aggregate classification (germline): Uncertain significance (1 of 4 stars; one submission).

Conditions:
Hereditary cancer-predisposing syndrome. Also called: Tumor predisposition; Hereditary neoplastic syndrome; Hereditary Cancer Syndrome; Neoplastic Syndromes, Hereditary. Identifiers: Orphanet 140162, MedGen C0027672, MeSH D009386, MONDO:0015356.

Submission:

Ambry Genetics
Classification: Uncertain significance for Hereditary cancer-predisposing syndrome. Last evaluated: 2025-06-02. Review status: criteria provided, single submitter. Criteria: Ambry Variant Classification Scheme 2023. Collection method: clinical testing. Allele origin: germline.
Comment: The p.D1974V variant (also known as c.5921A>T), located in coding exon 43 of the POLE gene, results from an A to T substitution at nucleotide position 5921. The aspartic acid at codon 1974 is replaced by valine, an amino acid with highly dissimilar properties. This amino acid position is conserved. In addition, this alteration is predicted to be tolerated by in silico analysis. Based on the available evidence, the clinical significance of this variant remains unclear.

NM_006231.4(POLE):c.5921A>T (p.Asp1974Val)

Gene: POLE (DNA polymerase epsilon, catalytic subunit; minus strand). Cytogenetic location: 12q24.33.
Variant type: single nucleotide variant.
Coding change: c.5921A>T on transcript NM_006231.4 (MANE Select); coding-DNA position 5921, A replaced by T.
Protein change: p.Asp1974Val; replaces aspartic acid 1974 with valine.
Molecular consequence: missense variant.
Genome position (GRCh38, 1-based): chr12:132,634,269, T>A on the plus strand (A>T on the coding strand, the complement: POLE is on the minus strand). VCF-style: chr12-132634269-T-A. GRCh37 (hg19) VCF-style: chr12-133210855-T-A.
Other names: short protein forms D1974V.
Identifiers: ClinVar variation 3935784 (VCV003935784.1).